The following is an entry in ClinVar:

NM_000135.4(FANCA):c.2336C>T (p.Pro779Leu)

Gene: FANCA (FA complementation group A; minus strand). Cytogenetic location: 16q24.3.
Variant type: single nucleotide variant.
Coding change: c.2336C>T on transcript NM_000135.4 (MANE Select); coding-DNA position 2336, C replaced by T.
Protein change: p.Pro779Leu; replaces proline 779 with leucine.
Molecular consequence: missense variant.
Genome position (GRCh38, 1-based): chr16:89,770,005, G>A on the plus strand (C>T on the coding strand, the complement: FANCA is on the minus strand). VCF-style: chr16-89770005-G-A. GRCh37 (hg19) VCF-style: chr16-89836413-G-A.
Other names: c.2336C>T, p.Pro779Leu (NM_001286167.3); c.2336C>T (NM_000135.2); short protein forms P779L.
Identifiers: ClinVar variation 1439568 (VCV001439568.7), dbSNP rs1400044983, ClinGen allele CA397444550.

ClinVar aggregate classification (germline): Uncertain significance. Review status: criteria provided, multiple submitters, no conflicts (2 of 4 stars). 2 submissions from 2 submitters: Uncertain significance (2). Last evaluated 2025-06-21.

Conditions:
Fanconi anemia (FA). Also called: Fanconi's anemia. Identifiers: Orphanet 84, MedGen C0015625, MeSH D005199, MONDO:0019391.
Inborn genetic diseases. Identifiers: MedGen C0950123, MeSH D030342.

Allele frequency attached by ClinVar (database versions not stated): gnomAD exomes below 0.00001; gnomAD 0.00001.
gnomAD v4.1: 7 of 1,613,640 alleles (0.00043%); highest among the groups gnomAD compares: Admixed American, 0.0017%; no homozygotes.

Submissions (2):

Ambry Genetics
Classification: Uncertain significance for Inborn genetic diseases. Last evaluated: 2025-06-21. Review status: criteria provided, single submitter. Criteria: Ambry Variant Classification Scheme 2023. Collection method: clinical testing. Allele origin: germline.
Comment: The p.P779L variant (also known as c.2336C>T), located in coding exon 26 of the FANCA gene, results from a C to T substitution at nucleotide position 2336. The proline at codon 779 is replaced by leucine, an amino acid with similar properties. This amino acid position is conserved. In addition, this alteration is predicted to be tolerated by in silico analysis. Based on the available evidence, the clinical significance of this variant remains unclear.

Labcorp Genetics (formerly Invitae), Labcorp
Classification: Uncertain significance for Fanconi anemia. Last evaluated: 2025-05-01. Review status: criteria provided, single submitter. Criteria: Invitae Variant Classification Sherloc (09022015). Collection method: clinical testing. Allele origin: germline.
Comment: This sequence change replaces proline, which is neutral and non-polar, with leucine, which is neutral and non-polar, at codon 779 of the FANCA protein (p.Pro779Leu). This variant is present in population databases (no rsID available, gnomAD 0.1%). This variant has not been reported in the literature in individuals affected with FANCA-related conditions. ClinVar contains an entry for this variant (Variation ID: 1439568). Invitae Evidence Modeling of protein sequence and biophysical properties (such as structural, functional, and spatial information, amino acid conservation, physicochemical variation, residue mobility, and thermodynamic stability) indicates that this missense variant is not expected to disrupt FANCA protein function with a negative predictive value of 95%. In summary, the available evidence is currently insufficient to determine the role of this variant in disease. Therefore, it has been classified as a Variant of Uncertain Significance.